The following is an entry in ClinVar:

NM_057175.5(NAA15):c.1079A>T (p.Asn360Ile)

Gene: NAA15 (N-alpha-acetyltransferase 15, NatA auxiliary subunit; plus strand). Cytogenetic location: 4q31.1.
Variant type: single nucleotide variant.
Coding change: c.1079A>T on transcript NM_057175.5 (MANE Select); coding-DNA position 1079, A replaced by T.
Protein change: p.Asn360Ile; replaces asparagine 360 with isoleucine.
Molecular consequence: missense variant.
Genome position (GRCh38, 1-based): chr4:139,354,090, A>T. VCF-style: chr4-139354090-A-T. GRCh37 (hg19) VCF-style: chr4-140275244-A-T.
Other names: c.1079A>T, p.Asn360Ile (NM_001410842.1); short protein forms N360I.
Identifiers: ClinVar variation 3727695 (VCV003727695.2).

ClinVar aggregate classification (germline): Uncertain significance (1 of 4 stars; one submission).

Submission:

Labcorp Genetics (formerly Invitae), Labcorp
Classification: Uncertain significance. Last evaluated: 2024-12-20. Review status: criteria provided, single submitter. Criteria: Invitae Variant Classification Sherloc (09022015). Collection method: clinical testing. Allele origin: germline.
Comment: This sequence change replaces asparagine, which is neutral and polar, with isoleucine, which is neutral and non-polar, at codon 360 of the NAA15 protein (p.Asn360Ile). This variant is not present in population databases (gnomAD no frequency). This variant has not been reported in the literature in individuals affected with NAA15-related conditions. An algorithm developed to predict the effect of missense changes on protein structure and function (PolyPhen-2) suggests that this variant is likely to be disruptive. In summary, the available evidence is currently insufficient to determine the role of this variant in disease. Therefore, it has been classified as a Variant of Uncertain Significance.